The following is an entry in ClinVar:

ClinVar aggregate classification (germline): Uncertain significance (1 of 4 stars; one submission).

Allele frequency attached by ClinVar (database versions not stated): gnomAD exomes below 0.00001; TOPMed below 0.00001; gnomAD 0.00001; ExAC 0.00002.
gnomAD v4.1: 4 of 1,613,922 alleles (0.00025%); highest among the groups gnomAD compares: Non-Finnish European, 0.00034%; no homozygotes.

Submission:

Labcorp Genetics (formerly Invitae), Labcorp
Classification: Uncertain significance. Last evaluated: 2024-10-30. Review status: criteria provided, single submitter. Criteria: Invitae Variant Classification Sherloc (09022015). Collection method: clinical testing. Allele origin: germline.
Comment: This sequence change replaces threonine, which is neutral and polar, with alanine, which is neutral and non-polar, at codon 332 of the CDH2 protein (p.Thr332Ala). This variant is present in population databases (rs764046987, gnomAD 0.002%). This variant has not been reported in the literature in individuals affected with CDH2-related conditions. ClinVar contains an entry for this variant (Variation ID: 3009727). An algorithm developed to predict the effect of missense changes on protein structure and function (PolyPhen-2) suggests that this variant is likely to be disruptive. In summary, the available evidence is currently insufficient to determine the role of this variant in disease. Therefore, it has been classified as a Variant of Uncertain Significance.

NM_001792.5(CDH2):c.994A>G (p.Thr332Ala)

Gene: CDH2 (cadherin 2; minus strand). Cytogenetic location: 18q12.1.
Variant type: single nucleotide variant.
Coding change: c.994A>G on transcript NM_001792.5 (MANE Select); coding-DNA position 994, A replaced by G.
Protein change: p.Thr332Ala; replaces threonine 332 with alanine.
Molecular consequence: missense variant.
Genome position (GRCh38, 1-based): chr18:28,003,023, T>C on the plus strand (A>G on the coding strand, the complement: CDH2 is on the minus strand). VCF-style: chr18-28003023-T-C. GRCh37 (hg19) VCF-style: chr18-25582987-T-C.
Other names: c.901A>G, p.Thr301Ala (NM_001308176.2); short protein forms T332A, T301A.
Identifiers: ClinVar variation 3009727 (VCV003009727.3), dbSNP rs764046987, ClinGen allele CA8923557.
Genomic context (GRCh38, chr18:28,003,023, plus strand): 5'-AAACAAACACAAATAGAGTTTTTGGTTGGCTTACTTCTCGATCAAGTCCAGCTGCCACTG[T>C]GATGATGTCACCAGTCTCATTGTTGATTGTAAACATGTTGGGTGAAGGGGTGCTTGGAGC-3'
Protein context (NP_001783.2, residues 322-342): TINNETGDII[Thr332Ala]VAAGLDREKV